The following is an entry in ClinVar:

ClinVar aggregate classification (germline): Benign/Likely benign. Review status: criteria provided, multiple submitters, no conflicts (2 of 4 stars). 8 submissions from 8 submitters: Benign (5); Likely benign (2). 1 of the submissions does not count toward it. Last evaluated 2026-02-04.

Conditions:
Congenital lipoid adrenal hyperplasia due to STAR deficency. Also called: ADRENAL HYPERPLASIA I; Cholesterol monooxygenase (side-chain cleaving) deficiency; Congenital Lipoid Adrenal Hyperplasia; Lipoid adrenal hyperplasia. Identifiers: Orphanet 418, Orphanet 90790, MedGen C0342474, MONDO:0008725, OMIM 201710.

Allele frequency attached by ClinVar (database versions not stated): gnomAD exomes 0.00134 and 0.00347; ExAC 0.00427; gnomAD 0.01349 and 0.01453; ESP Exome Variant Server 0.01422; TOPMed 0.01516; 1000 Genomes Project 30x 0.01655; 1000 Genomes Project 0.01657.

Submissions (8):

Labcorp Genetics (formerly Invitae), Labcorp
Classification: Benign. Last evaluated: 2026-02-04. Review status: criteria provided, single submitter. Criteria: Invitae Variant Classification Sherloc (09022015). Collection method: clinical testing. Allele origin: germline.

Genome-Nilou Lab
Classification: Benign for Congenital lipoid adrenal hyperplasia due to STAR deficency. Last evaluated: 2021-07-22. Review status: criteria provided, single submitter. Criteria: ACMG Guidelines, 2015. Collection method: clinical testing. Allele origin: germline. Affected: no.

Pars Genome Lab
Classification: Benign for Congenital lipoid adrenal hyperplasia due to STAR deficency. Last evaluated: 2021-05-18. Review status: criteria provided, single submitter. Criteria: ACMG Guidelines, 2015. Collection method: clinical testing. Allele origin: germline. Affected: no.

GeneDx
Classification: Likely benign. Last evaluated: 2020-08-22. Review status: criteria provided, single submitter. Criteria: GeneDx Variant Classification Process June 2021. Collection method: clinical testing. Allele origin: germline. Affected: yes.

Athena Diagnostics
Classification: Benign. Last evaluated: 2019-04-22. Review status: criteria provided, single submitter. Criteria: Athena Diagnostics Criteria. Collection method: clinical testing. Allele origin: germline.

Illumina Laboratory Services, Illumina
Classification: Benign for Congenital lipoid adrenal hyperplasia due to STAR deficency. Last evaluated: 2018-01-13. Review status: criteria provided, single submitter. Criteria: ICSL Variant Classification Criteria 13 December 2019. Collection method: clinical testing. Allele origin: germline.
Comment: This variant was observed in the ICSL laboratory as part of a predisposition screen in an ostensibly healthy population. It had not been previously curated by ICSL or reported in the Human Gene Mutation Database (HGMD: prior to June 1st, 2018), and was therefore a candidate for classification through an automated scoring system. Utilizing variant allele frequency, disease prevalence and penetrance estimates, and inheritance mode, an automated score was calculated to assess if this variant is too frequent to cause the disease. Based on the score and internal cut-off values, a variant classified as benign is not then subjected to further curation. The score for this variant resulted in a classification of benign for this disease.

Breakthrough Genomics
Classification: Likely benign. Review status: criteria provided, single submitter. Criteria: ACMG Guidelines, 2015. Collection method: not provided. Allele origin: germline. Inheritance: Autosomal recessive inheritance. Affected: yes.

Natera, Inc.
Classification: Benign for Congenital lipoid adrenal hyperplasia. Last evaluated: 2019-11-11. Review status: no assertion criteria provided. Collection method: clinical testing. Allele origin: germline. Not counted in ClinVar's aggregate classification.

NM_000349.3(STAR):c.153G>A (p.Gln51=)

Gene: STAR (steroidogenic acute regulatory protein; minus strand). Cytogenetic location: 8p11.23.
Variant type: single nucleotide variant.
Coding change: c.153G>A on transcript NM_000349.3 (MANE Select); coding-DNA position 153, G replaced by A.
Protein change: p.Gln51=; no amino-acid change (glutamine 51 retained).
Molecular consequence: synonymous variant.
Genome position (GRCh38, 1-based): chr8:38,148,666, C>T on the plus strand (G>A on the coding strand, the complement: STAR is on the minus strand). VCF-style: chr8-38148666-C-T. GRCh37 (hg19) VCF-style: chr8-38006184-C-T.
Identifiers: ClinVar variation 362849 (VCV000362849.24), dbSNP rs72552290, ClinGen allele CA4715345.